The following is an entry in ClinVar:

NM_001330078.2(NRXN1):c.1825C>G (p.Leu609Val)

Gene: NRXN1 (neurexin 1; minus strand). Cytogenetic location: 2p16.3.
Variant type: single nucleotide variant.
Coding change: c.1825C>G on transcript NM_001330078.2 (MANE Select); coding-DNA position 1825, C replaced by G.
Protein change: p.Leu609Val; replaces leucine 609 with valine.
Molecular consequence: missense variant.
Genome position (GRCh38, 1-based): chr2:50,538,571, G>C on the plus strand (C>G on the coding strand, the complement: NRXN1 is on the minus strand). VCF-style: chr2-50538571-G-C. GRCh37 (hg19) VCF-style: chr2-50765709-G-C.
Other names: c.1945C>G, p.Leu649Val (NM_001135659.3); c.1801C>G, p.Leu601Val (NM_001330077.2, NM_001330082.2, NM_001330095.2); c.1786C>G, p.Leu596Val (NM_001330083.2, NM_001330084.2); c.1825C>G, p.Leu609Val (NM_001330085.2, NM_001330086.2, NM_004801.6); c.1741C>G, p.Leu581Val (NM_001330087.2, NM_001330096.2); c.1771C>G, p.Leu591Val (NM_001330088.2); c.1822C>G, p.Leu608Val (NM_001330093.2); c.1813C>G, p.Leu605Val (NM_001330094.2); short protein forms L591V, L596V, L605V, L608V, L581V, L649V, L601V, L609V.
Identifiers: ClinVar variation 2131819 (VCV002131819.4), dbSNP rs2465669927, ClinGen allele CA346771343.

ClinVar aggregate classification (germline): Uncertain significance (1 of 4 stars; one submission).

Conditions:
Pitt-Hopkins-like syndrome 2 (PTHSL2). Identifiers: Orphanet 221150, Orphanet 600663, MedGen C3280479, MONDO:0013690, OMIM 614325.

gnomAD v4.1: 1 of 1,563,260 alleles (0.000064%); highest among the groups gnomAD compares: Non-Finnish European, 0.000087%; no homozygotes.

Submission:

Labcorp Genetics (formerly Invitae), Labcorp
Classification: Uncertain significance for Pitt-Hopkins-like syndrome 2. Last evaluated: 2022-04-29. Review status: criteria provided, single submitter. Criteria: Invitae Variant Classification Sherloc (09022015). Collection method: clinical testing. Allele origin: germline.
Comment: Algorithms developed to predict the effect of missense changes on protein structure and function are either unavailable or do not agree on the potential impact of this missense change (SIFT: "Deleterious"; PolyPhen-2: "Probably Damaging"; Align-GVGD: "Class C15"). This variant has not been reported in the literature in individuals affected with NRXN1-related conditions. In summary, the available evidence is currently insufficient to determine the role of this variant in disease. Therefore, it has been classified as a Variant of Uncertain Significance. This sequence change replaces leucine, which is neutral and non-polar, with valine, which is neutral and non-polar, at codon 649 of the NRXN1 protein (p.Leu649Val). This variant is not present in population databases (gnomAD no frequency).